The following is an entry in ClinVar:

ClinVar aggregate classification (germline): Uncertain significance (1 of 4 stars; one submission).

Allele frequency attached by ClinVar (database versions not stated): TOPMed below 0.00001; gnomAD 0.00001.
gnomAD v4.1: 1 of 1,614,076 alleles (0.000062%); highest among the groups gnomAD compares: African/African-American, 0.0013%; no homozygotes.

Submission:

Ambry Genetics
Classification: Uncertain significance. Last evaluated: 2022-04-27. Review status: criteria provided, single submitter. Criteria: Ambry Variant Classification Scheme 2023. Collection method: clinical testing. Allele origin: germline.
Comment: The p.I382T variant (also known as c.1145T>C), located in coding exon 10 of the BUB1 gene, results from a T to C substitution at nucleotide position 1145. The isoleucine at codon 382 is replaced by threonine, an amino acid with similar properties. This amino acid position is conserved. In addition, this alteration is predicted to be tolerated by in silico analysis. Since supporting evidence is limited at this time, the clinical significance of this alteration remains unclear.

NM_004336.5(BUB1):c.1145T>C (p.Ile382Thr)

Gene: BUB1 (BUB1 mitotic checkpoint serine/threonine kinase; minus strand). Cytogenetic location: 2q13.
Variant type: single nucleotide variant.
Coding change: c.1145T>C on transcript NM_004336.5 (MANE Select); coding-DNA position 1145, T replaced by C.
Protein change: p.Ile382Thr; replaces isoleucine 382 with threonine.
Molecular consequence: missense variant.
Genome position (GRCh38, 1-based): chr2:110,661,654, A>G on the plus strand (T>C on the coding strand, the complement: BUB1 is on the minus strand). VCF-style: chr2-110661654-A-G. GRCh37 (hg19) VCF-style: chr2-111419231-A-G.
Other names: c.1085T>C, p.Ile362Thr (NM_001278616.2); c.1145T>C, p.Ile382Thr (NM_001278617.2); short protein forms I382T, I362T.
Identifiers: ClinVar variation 1732431 (VCV001732431.2), dbSNP rs1423634027, ClinGen allele CA348214317.